The following is an entry in ClinVar:

NM_001244008.2(KIF1A):c.*1960G>T

Gene: KIF1A (kinesin family member 1A; minus strand). Cytogenetic location: 2q37.3.
Variant type: single nucleotide variant.
Coding change: c.*1960G>T on transcript NM_001244008.2 (MANE Select); 1960 bases downstream of the stop codon, G replaced by T.
Molecular consequence: 3 prime UTR variant.
Genome position (GRCh38, 1-based): chr2:240,715,404, C>A on the plus strand (G>T on the coding strand, the complement: KIF1A is on the minus strand). VCF-style: chr2-240715404-C-A. GRCh37 (hg19) VCF-style: chr2-241654821-C-A.
Other names: c.*1960G>T (NM_001320705.2, NM_001330289.2, NM_001330290.2 and 20 more transcripts).
Identifiers: ClinVar variation 894826 (VCV000894826.28), dbSNP rs184324379, ClinGen allele CA68128881.

ClinVar aggregate classification (germline): Conflicting classifications of pathogenicity. Review status: criteria provided, conflicting classifications (1 of 4 stars). 2 submissions from 2 submitters: Uncertain significance (1); Likely benign (1). Last evaluated 2023-01-01.

Conditions:
Hereditary spastic paraplegia 30. Identifiers: Orphanet 101010, MedGen C5235139, MONDO:0012476.

Allele frequency attached by ClinVar (database versions not stated): 1000 Genomes Project 30x 0.00359; 1000 Genomes Project 0.00399; TOPMed 0.00440.

Submissions (2):

CeGaT Center for Human Genetics Tuebingen
Classification: Likely benign. Last evaluated: 2023-01-01. Review status: criteria provided, single submitter. Criteria: CeGaT Center For Human Genetics Tuebingen Variant Classification Criteria Version 2. Collection method: clinical testing. Allele origin: germline. Affected: yes. Observed: 1 variant allele.
Comment: KIF1A: BS1

Illumina Laboratory Services, Illumina
Classification: Uncertain significance for Spastic paraplegia 30A, autosomal dominant. Last evaluated: 2018-01-13. Review status: criteria provided, single submitter. Criteria: ICSL Variant Classification Criteria 13 December 2019. Collection method: clinical testing. Allele origin: germline.